The following is an entry in ClinVar:

NM_001040167.2(LFNG):c.480G>A (p.Thr160=)

Gene: LFNG (LFNG O-fucosylpeptide 3-beta-N-acetylglucosaminyltransferase; plus strand). Cytogenetic location: 7p22.3.
Variant type: single nucleotide variant.
Coding change: c.480G>A on transcript NM_001040167.2 (MANE Select); coding-DNA position 480, G replaced by A.
Protein change: p.Thr160=; no amino-acid change (threonine 160 retained).
Molecular consequence: synonymous variant.
Genome position (GRCh38, 1-based): chr7:2,524,742, G>A. VCF-style: chr7-2524742-G-A. GRCh37 (hg19) VCF-style: chr7-2564376-G-A.
Other names: c.480G>A (NM_001040167.1); c.480G>A, p.Thr160= (NM_001040168.2); c.267G>A, p.Thr89= (NM_001166355.2); c.93G>A, p.Thr31= (NM_002304.3).
Identifiers: ClinVar variation 1080361 (VCV001080361.11), dbSNP rs151053753, ClinGen allele CA4126953.

ClinVar aggregate classification (germline): Likely benign. Review status: criteria provided, single submitter (1 of 4 stars). 2 submissions from 2 submitters: Likely benign (1). 1 of the submissions does not count toward it. Last evaluated 2025-08-22.

Conditions:
LFNG-related disorder. Also called: LFNG-related condition.
Spondylocostal dysostosis 3, autosomal recessive (SCDO3). Also called: LFNG-Related Spondylocostal Dysostosis, Autosomal Recessive. Identifiers: Orphanet 2311, MedGen C1853296, MONDO:0012349, OMIM 609813.

Allele frequency attached by ClinVar (database versions not stated): gnomAD exomes 0.00005; ExAC 0.00009; gnomAD 0.00009; TOPMed 0.00009; 1000 Genomes Project 30x 0.00016; 1000 Genomes Project 0.00040.
gnomAD v4.1: 256 of 1,587,660 alleles (0.016%); highest among the groups gnomAD compares: Non-Finnish European, 0.021%; no homozygotes.

Submissions (2):

Labcorp Genetics (formerly Invitae), Labcorp
Classification: Likely benign for Spondylocostal dysostosis 3, autosomal recessive. Last evaluated: 2025-08-22. Review status: criteria provided, single submitter. Criteria: Invitae Variant Classification Sherloc (09022015). Collection method: clinical testing. Allele origin: germline.

PreventionGenetics, part of Exact Sciences
Classification: Likely benign for LFNG-related condition. Last evaluated: 2023-05-23. Review status: no assertion criteria provided. Collection method: clinical testing. Allele origin: germline. Not counted in ClinVar's aggregate classification.
Comment: This variant is classified as likely benign based on ACMG/AMP sequence variant interpretation guidelines (Richards et al. 2015 PMID: 25741868, with internal and published modifications).